The following is an entry in ClinVar:

NM_006514.4(SCN10A):c.4399G>A (p.Gly1467Ser)

Gene: SCN10A (sodium voltage-gated channel alpha subunit 10; minus strand). Cytogenetic location: 3p22.2.
Variant type: single nucleotide variant.
Coding change: c.4399G>A on transcript NM_006514.4 (MANE Select); coding-DNA position 4399, G replaced by A.
Protein change: p.Gly1467Ser; replaces glycine 1467 with serine.
Molecular consequence: missense variant.
Genome position (GRCh38, 1-based): chr3:38,702,097, C>T on the plus strand (G>A on the coding strand, the complement: SCN10A is on the minus strand). VCF-style: chr3-38702097-C-T. GRCh37 (hg19) VCF-style: chr3-38743588-C-T.
Other names: c.4396G>A, p.Gly1466Ser (NM_001293306.2); c.4105G>A, p.Gly1369Ser (NM_001293307.2); short protein forms G1466S, G1467S, G1369S.
Identifiers: ClinVar variation 3438080 (VCV003438080.1).

ClinVar aggregate classification (germline): Uncertain significance (1 of 4 stars; one submission).

Conditions:
Cardiovascular phenotype. Identifiers: MedGen CN230736.

gnomAD v4.1: 1 of 1,552,536 alleles (0.000064%); highest among the groups gnomAD compares: Non-Finnish European, 0.000087%; no homozygotes.

Submission:

Ambry Genetics
Classification: Uncertain significance for Cardiovascular phenotype. Last evaluated: 2024-10-14. Review status: criteria provided, single submitter. Criteria: Ambry Variant Classification Scheme 2023. Collection method: clinical testing. Allele origin: germline.
Comment: The p.G1467S variant (also known as c.4399G>A), located in coding exon 26 of the SCN10A gene, results from a G to A substitution at nucleotide position 4399. The glycine at codon 1467 is replaced by serine, an amino acid with similar properties. This amino acid position is conserved. In addition, the in silico prediction for this alteration is inconclusive. Based on the available evidence, the clinical significance of this variant remains unclear.